The following is an entry in ClinVar:

ClinVar aggregate classification (germline): Likely benign (0 of 4 stars; one submission).

Conditions:
YARS2-related disorder. Also called: YARS2-related condition.

Submission:

PreventionGenetics, part of Exact Sciences
Classification: Likely benign for YARS2-related condition. Last evaluated: 2020-03-06. Review status: no assertion criteria provided. Collection method: clinical testing. Allele origin: germline.
Comment: This variant is classified as likely benign based on ACMG/AMP sequence variant interpretation guidelines (Richards et al. 2015 PMID: 25741868, with internal and published modifications).

NM_001040436.3(YARS2):c.*5_*6del

Gene: YARS2 (tyrosyl-tRNA synthetase 2; minus strand). Cytogenetic location: 12p11.21.
Variant type: Deletion.
Coding change: c.*5_*6del on transcript NM_001040436.3 (MANE Select); 5 bases downstream of the stop codon through 6 bases downstream of the stop codon, 2 bases deleted (AA; older notation c.*5_*6delAA).
Molecular consequence: 3 prime UTR variant.
Genome position (GRCh38, 1-based): chr12:32,747,198-32,747,199, TT deleted on the plus strand (AA on the coding strand, the reverse complement: YARS2 is on the minus strand); deleting any 2 consecutive bases within chr12:32,747,198-32,747,201 gives the same sequence; the c. name uses the placement nearest the transcript's 3' end. VCF-style (leftmost placement, unchanged base first): chr12-32747197-CTT-C. GRCh37 (hg19) VCF-style: chr12-32900131-CTT-C.
Identifiers: ClinVar variation 3057871 (VCV003057871.2), dbSNP rs765786705, ClinGen allele CA6507905.